The following is an entry in ClinVar:

NM_001160372.4(TRAPPC9):c.1938G>A (p.Thr646=)

Gene: TRAPPC9 (trafficking protein particle complex subunit 9; minus strand). Cytogenetic location: 8q24.3.
Variant type: single nucleotide variant.
Coding change: c.1938G>A on transcript NM_001160372.4 (MANE Select); coding-DNA position 1938, G replaced by A.
Protein change: p.Thr646=; no amino-acid change (threonine 646 retained).
Molecular consequence: synonymous variant. On other transcripts: non-coding transcript variant (1).
Genome position (GRCh38, 1-based): chr8:140,287,651, C>T on the plus strand (G>A on the coding strand, the complement: TRAPPC9 is on the minus strand). VCF-style: chr8-140287651-C-T. GRCh37 (hg19) VCF-style: chr8-141297750-C-T.
Other names: c.1911G>A, p.Thr637= (NM_001321646.2); c.1959G>A, p.Thr653= (NM_001374682.1); c.1938G>A, p.Thr646= (NM_001374683.1, NM_031466.8); c.1794G>A, p.Thr598= (NM_001374684.1).
Identifiers: ClinVar variation 362082 (VCV000362082.8), dbSNP rs768606436, ClinGen allele CA4893265.
Genomic context (GRCh38, chr8:140,287,651, plus strand): 5'-GAAGGGACTCTCCTTACCGTTCACAGTAATCGTTCCAGTCGTCTGCGGGACCCCGACGAG[C>T]GTCACTGGGTACAGACCAGATTCAGCCGGAAGAGAAAGCGCCGCAGGGAGAGACTCGAAC-3'
Protein context (NP_001153844.1, residues 636-656): LPAESGLYPV[Thr646=]LVGVPQTTGT

ClinVar aggregate classification (germline): Likely benign. Review status: criteria provided, multiple submitters, no conflicts (2 of 4 stars). 2 submissions from 2 submitters: Likely benign (2). Last evaluated 2026-09-01.

Allele frequency attached by ClinVar (database versions not stated): ExAC 0.00001; gnomAD 0.00003.
gnomAD v4.1: 14 of 1,614,054 alleles (0.00087%); highest among the groups gnomAD compares: East Asian, 0.0022%; no homozygotes.

Submissions (2):

CeGaT Center for Human Genetics Tuebingen
Classification: Likely benign. Last evaluated: 2026-09-01. Review status: criteria provided, single submitter. Criteria: CeGaT Center For Human Genetics Tuebingen Variant Classification Criteria Version 2. Collection method: clinical testing. Allele origin: germline. Affected: yes. Observed: 1 variant allele.
Comment: TRAPPC9: BP4, BP7

Labcorp Genetics (formerly Invitae), Labcorp
Classification: Likely benign. Last evaluated: 2025-08-20. Review status: criteria provided, single submitter. Criteria: Invitae Variant Classification Sherloc (09022015). Collection method: clinical testing. Allele origin: germline.